The following is an entry in ClinVar:

NM_020738.4(KIDINS220):c.3928C>T (p.His1310Tyr)

Gene: KIDINS220 (kinase D interacting substrate 220; minus strand). Cytogenetic location: 2p25.1.
Variant type: single nucleotide variant.
Coding change: c.3928C>T on transcript NM_020738.4 (MANE Select); coding-DNA position 3928, C replaced by T.
Protein change: p.His1310Tyr; replaces histidine 1310 with tyrosine.
Molecular consequence: missense variant. On other transcripts: non-coding transcript variant (2).
Genome position (GRCh38, 1-based): chr2:8,733,569, G>A on the plus strand (C>T on the coding strand, the complement: KIDINS220 is on the minus strand). VCF-style: chr2-8733569-G-A. GRCh37 (hg19) VCF-style: chr2-8873699-G-A.
Other names: c.3931C>T, p.His1311Tyr (NM_001348729.2); c.3874C>T, p.His1292Tyr (NM_001348731.2); c.3871C>T, p.His1291Tyr (NM_001348732.2, NM_001348738.2); c.3760C>T, p.His1254Tyr (NM_001348734.2, NM_001348739.2, NM_001348740.2); c.3757C>T, p.His1253Tyr (NM_001348735.2, NM_001348741.2, NM_001348742.2 and 1 more transcripts); c.3631C>T, p.His1211Tyr (NM_001348736.2); short protein forms H1211Y, H1253Y, H1254Y, H1291Y, H1292Y, H1310Y, H1311Y.
Identifiers: ClinVar variation 3350046 (VCV003350046.1).

ClinVar aggregate classification (germline): Uncertain significance (0 of 4 stars; one submission).

Conditions:
KIDINS220-related disorder. Also called: KIDINS220-related condition.

Submission:

PreventionGenetics, part of Exact Sciences
Classification: Uncertain significance for KIDINS220-related condition. Last evaluated: 2023-11-15. Review status: no assertion criteria provided. Collection method: clinical testing. Allele origin: germline.
Comment: The KIDINS220 c.3928C>T variant is predicted to result in the amino acid substitution p.His1310Tyr. To our knowledge, this variant has not been reported in the literature. This variant is reported in 0.00088% of alleles in individuals of European (Non-Finnish) descent in gnomAD. At this time, the clinical significance of this variant is uncertain due to the absence of conclusive functional and genetic evidence.